The following is an entry in ClinVar:

ClinVar aggregate classification (germline): Conflicting classifications of pathogenicity. Review status: criteria provided, conflicting classifications (1 of 4 stars). 2 submissions from 2 submitters: Uncertain significance (1); Benign (1). Last evaluated 2023-02-23.

Conditions:
Ehlers-Danlos syndrome, classic type, 1 (EDSCL1). Also called: EHLERS-DANLOS SYNDROME, GRAVIS TYPE; EHLERS-DANLOS SYNDROME, SEVERE CLASSIC TYPE; EDS I; Ehlers-Danlos Syndrome, Classic Type, COL5A1-Related; Ehlers-Danlos syndrome, type 1. Identifiers: MedGen C0268335, MONDO:0019567, OMIM 130000.

gnomAD v4.1: 2 of 1,606,278 alleles (0.00012%); highest among the groups gnomAD compares: African/African-American, 0.0027%; no homozygotes.

Submissions (2):

Labcorp Genetics (formerly Invitae), Labcorp
Classification: Benign for Ehlers-Danlos syndrome, classic type, 1. Last evaluated: 2023-02-23. Review status: criteria provided, single submitter. Criteria: Invitae Variant Classification Sherloc (09022015). Collection method: clinical testing. Allele origin: germline.

GeneDx
Classification: Uncertain significance. Last evaluated: 2020-06-26. Review status: criteria provided, single submitter. Criteria: GeneDx Variant Classification Process June 2021. Collection method: clinical testing. Allele origin: germline. Affected: yes.
Comment: Has not been previously published as pathogenic or benign to our knowledge; Not observed at a significant frequency in large population cohorts (Lek et al., 2016); In silico analysis supports that this missense variant does not alter protein structure/function

NM_000393.5(COL5A2):c.1081A>G (p.Met361Val)

Gene: COL5A2 (collagen type V alpha 2 chain; minus strand). Cytogenetic location: 2q32.2.
Variant type: single nucleotide variant.
Coding change: c.1081A>G on transcript NM_000393.5 (MANE Select); coding-DNA position 1081, A replaced by G.
Protein change: p.Met361Val; replaces methionine 361 with valine.
Molecular consequence: missense variant.
Genome position (GRCh38, 1-based): chr2:189,075,416, T>C on the plus strand (A>G on the coding strand, the complement: COL5A2 is on the minus strand). VCF-style: chr2-189075416-T-C. GRCh37 (hg19) VCF-style: chr2-189940142-T-C.
Other names: short protein forms M361V.
Identifiers: ClinVar variation 1059974 (VCV001059974.12), dbSNP rs76148000, ClinGen allele CA2022823.